The following is an entry in ClinVar:

NM_003742.4(ABCB11):c.3391G>T (p.Asp1131Tyr)

Gene: ABCB11 (ATP binding cassette subfamily B member 11; minus strand). Cytogenetic location: 2q31.1.
Variant type: single nucleotide variant.
Coding change: c.3391G>T on transcript NM_003742.4 (MANE Select); coding-DNA position 3391, G replaced by T.
Protein change: p.Asp1131Tyr; replaces aspartic acid 1131 with tyrosine.
Molecular consequence: missense variant.
Genome position (GRCh38, 1-based): chr2:168,930,685, C>A on the plus strand (G>T on the coding strand, the complement: ABCB11 is on the minus strand). VCF-style: chr2-168930685-C-A. GRCh37 (hg19) VCF-style: chr2-169787195-C-A.
Other names: short protein forms D1131Y.
Identifiers: ClinVar variation 4845961 (VCV004845961.1).
Genomic context (GRCh38, chr2:168,930,685, plus strand): 5'-CTGCAGAAGGCAAAATTCTCAAAAAGGTTGCGTGGCTTACCACCTTCCCTTGATCAGGAT[C>A]ATAGAAACGTTCCAACAGCTGAATGCTAGTGCTTTTGCCACATCCACTGCTCCCAACAAA-3'
Protein context (NP_003733.2, residues 1121-1141): TSIQLLERFY[Asp1131Tyr]PDQGKVMIDG

ClinVar aggregate classification (germline): Uncertain significance (1 of 4 stars; one submission).

Conditions:
Familial intrahepatic cholestasis. Identifiers: Orphanet 284385, MedGen CN296401, MONDO:0017290.

Submission:

Genomenon, Inc
Classification: Uncertain significance for Familial intrahepatic cholestasis. Last evaluated: 2026-04-14. Review status: criteria provided, single submitter. Criteria: Genomenon Sequence Variant Interpretation Standards - Updated. Collection method: curation. Allele origin: germline. Affected: yes.
Comment: ABCB11 p.Asp1131Tyr (c.3391G>T) is a missense variant that changes the amino acid at residue 1131 from Aspartic acid to Tyrosine. This variant has been observed in at least one proband with an ABCB11-related disorder (PMID:30366773). It is absent or not present at a significant frequency in gnomAD. In silico models predict that this variant is possibly or probably damaging. In conclusion, we classify ABCB11 p.Asp1131Tyr (c.3391G>T) as a variant of uncertain significance.

Literature cited by the submitters: PubMed 30366773.